The following is an entry in ClinVar:

NM_001009999.3(KDM1A):c.619C>T (p.Arg207Trp)

Gene: KDM1A (lysine demethylase 1A; plus strand). Cytogenetic location: 1p36.12.
Variant type: single nucleotide variant.
Coding change: c.619C>T on transcript NM_001009999.3 (MANE Select); coding-DNA position 619, C replaced by T.
Protein change: p.Arg207Trp; replaces arginine 207 with tryptophan.
Molecular consequence: missense variant.
Genome position (GRCh38, 1-based): chr1:23,050,428, C>T. VCF-style: chr1-23050428-C-T. GRCh37 (hg19) VCF-style: chr1-23376921-C-T.
Other names: c.559C>T, p.Arg187Trp (NM_001363654.2, NM_001410763.1, NM_015013.4); c.619C>T, p.Arg207Trp (NM_001410762.1); short protein forms R187W, R207W.
Identifiers: ClinVar variation 4858721 (VCV004858721.1).
Genomic context (GRCh38, chr1:23,050,428, plus strand): 5'-CCTTTGCTTTCTTCGTTAGGTGTGGAGGGCGCAGCTTTCCAGAGCCGACTTCCTCATGAC[C>T]GGATGACTTCTCAAGAAGCAGCCTGTTTTCCAGATATTATCAGTGGACCACAACAGACCC-3'
Protein context (NP_001009999.1, residues 197-217): AAFQSRLPHD[Arg207Trp]MTSQEAACFP

ClinVar aggregate classification (germline): Uncertain significance (1 of 4 stars; one submission).

Conditions:
Inborn genetic diseases. Identifiers: MedGen C0950123, MeSH D030342.

gnomAD v4.1: 3 of 1,613,520 alleles (0.00019%); highest among the groups gnomAD compares: Non-Finnish European, 0.00025%; no homozygotes.

Submission:

Ambry Genetics
Classification: Uncertain significance for Inborn genetic diseases. Last evaluated: 2026-04-24. Review status: criteria provided, single submitter. Criteria: Ambry Variant Classification Scheme 2023. Collection method: clinical testing. Allele origin: germline.
Comment: The p.R207W variant (also known as c.619C>T), located in coding exon 4 of the KDM1A gene, results from a C to T substitution at nucleotide position 619. The arginine at codon 207 is replaced by tryptophan, an amino acid with dissimilar properties. This amino acid position is conserved. In addition, the in silico prediction for this alteration is inconclusive. Based on the available evidence, the clinical significance of this variant remains unclear.